The following is an entry in ClinVar:

ClinVar aggregate classification (germline): Likely benign (1 of 4 stars; one submission).

Submission:

GeneDx
Classification: Likely benign. Last evaluated: 2016-07-20. Review status: criteria provided, single submitter. Criteria: GeneDx Variant Classification (06012015). Collection method: clinical testing. Allele origin: germline. Affected: yes.
Comment: This variant is considered likely benign or benign based on one or more of the following criteria: it is a conservative change, it occurs at a poorly conserved position in the protein, it is predicted to be benign by multiple in silico algorithms, and/or has population frequency not consistent with disease.

NM_000535.7(PMS2):c.164-15T>C

Gene: PMS2 (PMS1 homolog 2, mismatch repair system component; minus strand). Cytogenetic location: 7p22.1.
Variant type: single nucleotide variant.
Coding change: c.164-15T>C on transcript NM_000535.7 (MANE Select); 15 bases into the intron before coding-DNA position 164, T replaced by C.
Molecular consequence: intron variant.
Genome position (GRCh38, 1-based): chr7:6,004,073, A>G on the plus strand (T>C on the coding strand, the complement: PMS2 is on the minus strand). VCF-style: chr7-6004073-A-G. GRCh37 (hg19) VCF-style: chr7-6043704-A-G.
Other names: c.-52-15T>C (NM_001322008.2, NM_001322007.2); c.-242-15T>C (NM_001322010.2, NM_001322004.2, NM_001322013.2 and 3 more transcripts); c.-721-15T>C (NM_001322012.2, NM_001322011.2); c.-321-15T>C (NM_001322015.2); c.164-15T>C (NM_001322006.2, NM_001322014.2).
Identifiers: ClinVar variation 387644 (VCV000387644.1), dbSNP rs1057522853, ClinGen allele CA16605866.